The following is an entry in ClinVar:

ClinVar aggregate classification (germline): Benign/Likely benign. Review status: criteria provided, multiple submitters, no conflicts (2 of 4 stars). 13 submissions from 13 submitters: Benign (5); Likely benign (7). 1 of the submissions does not count toward it. Last evaluated 2026-08-01.

Conditions:
STK11-related disorder. Also called: STK11-related condition.
Familial ovarian cancer. Identifiers: MedGen C5679802, MONDO:0016248.
Hereditary cancer-predisposing syndrome. Also called: Neoplastic Syndromes, Hereditary; Tumor predisposition; Hereditary neoplastic syndrome; Hereditary Cancer Syndrome. Identifiers: Orphanet 140162, MedGen C0027672, MeSH D009386, MONDO:0015356.
Peutz-Jeghers syndrome (PJS). Also called: POLYPOSIS, HAMARTOMATOUS INTESTINAL; POLYPS-AND-SPOTS SYNDROME; Peutz-Jeghers polyposis; Periorificial lentiginosis syndrome. Identifiers: Orphanet 2869, MedGen C0031269, MeSH D010580, MONDO:0008280, OMIM 175200.

Allele frequency attached by ClinVar (database versions not stated): TOPMed 0.00011; gnomAD exomes 0.00013; 1000 Genomes Project 30x 0.00016; gnomAD 0.00017; 1000 Genomes Project 0.00020; ExAC 0.00022.
gnomAD v4.1: 111 of 1,598,982 alleles (0.0069%); highest among the groups gnomAD compares: African/African-American, 0.029%; no homozygotes.

Submissions (13):

CeGaT Center for Human Genetics Tuebingen
Classification: Likely benign. Last evaluated: 2026-08-01. Review status: criteria provided, single submitter. Criteria: CeGaT Center For Human Genetics Tuebingen Variant Classification Criteria Version 2. Collection method: clinical testing. Allele origin: germline. Affected: yes. Observed: 2 variant alleles.
Comment: STK11: BP4, BS2

Labcorp Genetics (formerly Invitae), Labcorp
Classification: Benign for Peutz-Jeghers syndrome. Last evaluated: 2026-01-26. Review status: criteria provided, single submitter. Criteria: Invitae Variant Classification Sherloc (09022015). Collection method: clinical testing. Allele origin: germline.

Myriad Genetics, Inc.
Classification: Likely benign for Peutz-Jeghers syndrome. Last evaluated: 2025-03-26. Review status: criteria provided, single submitter. Criteria: Myriad Autosomal Dominant, Autosomal Recessive and X-Linked Classification Criteria (2023). Collection method: clinical testing. Allele origin: unknown.
Comment: This variant is considered likely benign. This variant is intronic and is not expected to impact mRNA splicing.

KCCC/NGS Laboratory, Kuwait Cancer Control Center
Classification: Benign for Peutz-Jeghers syndrome. Last evaluated: 2025-02-01. Review status: criteria provided, single submitter. Criteria: ACMG Guidelines, 2015. Collection method: clinical testing. Allele origin: germline. Affected: no.

Blueprint Genetics
Classification: Likely benign. Last evaluated: 2024-07-18. Review status: criteria provided, single submitter. Criteria: ACMG Guidelines, 2015. Collection method: clinical testing. Allele origin: germline.

Quest Diagnostics Nichols Institute San Juan Capistrano
Classification: Benign. Last evaluated: 2022-10-22. Review status: criteria provided, single submitter. Criteria: Quest Diagnostics criteria. Collection method: clinical testing. Allele origin: unknown.

Department of Pathology and Laboratory Medicine, Sinai Health System
Classification: Likely benign for familial ovarian cancer. Last evaluated: 2022-01-11. Review status: criteria provided, single submitter. Criteria: ACMG Guidelines, 2015. Collection method: clinical testing. Allele origin: germline. Affected: no.

Genome-Nilou Lab
Classification: Likely benign for Peutz-Jeghers syndrome. Last evaluated: 2021-07-15. Review status: criteria provided, single submitter. Criteria: ACMG Guidelines, 2015. Collection method: clinical testing. Allele origin: germline. Affected: no.

Women's Health and Genetics/Laboratory Corporation of America, LabCorp
Classification: Benign. Last evaluated: 2021-03-07. Review status: criteria provided, single submitter. Criteria: LabCorp Variant Classification Summary - May 2015. Collection method: clinical testing. Allele origin: germline.
Comment: Variant summary: STK11 c.597+8C>T alters a non-conserved nucleotide located close to a canonical splice site and therefore could affect mRNA splicing, leading to a significantly altered protein sequence. 4/4 computational tools predict no significant impact on normal splicing. However, these predictions have yet to be confirmed by functional studies. The variant allele was found at a frequency of 0.00013 in 221274 control chromosomes. The observed variant frequency is approximately 20 fold of the estimated maximal expected allele frequency for a pathogenic variant in STK11 causing Peutz-Jeghers Syndrome phenotype (6.3e-06), strongly suggesting that the variant is benign. To our knowledge, no occurrence of c.597+8C>T in individuals affected with Peutz-Jeghers Syndrome and no experimental evidence demonstrating its impact on protein function have been reported. At-least one co-occurrence with another pathogenic variant has been observed at our laboratory (BRCA2 c.6468_6469delTC, p.Q2157fs), providing supporting evidence for a benign role. Three clinical diagnostic laboratories have submitted clinical-significance assessments for this variant to ClinVar after 2014 without evidence for independent evaluation. All laboratories classified the variant as benign (n=1)/likely benign (n=2). Based on the evidence outlined above, the variant was classified as benign.

Color Diagnostics, LLC DBA Color Health
Classification: Likely benign for Hereditary cancer-predisposing syndrome. Last evaluated: 2016-01-06. Review status: criteria provided, single submitter. Criteria: ACMG Guidelines, 2015. Collection method: clinical testing. Allele origin: germline.

GeneDx
Classification: Benign. Last evaluated: 2014-04-01. Review status: criteria provided, single submitter. Criteria: GeneDx Variant Classification (06012015). Collection method: clinical testing. Allele origin: germline. Affected: yes.
Comment: This variant is considered likely benign or benign based on one or more of the following criteria: it is a conservative change, it occurs at a poorly conserved position in the protein, it is predicted to be benign by multiple in silico algorithms, and/or has population frequency not consistent with disease.

Ambry Genetics
Classification: Likely benign for Hereditary cancer-predisposing syndrome. Last evaluated: 2013-05-22. Review status: criteria provided, single submitter. Criteria: Ambry Autosomal Dominant and X-Linked criteria (10/2015). Collection method: clinical testing. Allele origin: germline. Observed: 1 variant allele.

PreventionGenetics, part of Exact Sciences
Classification: Likely benign for STK11-related condition. Last evaluated: 2019-05-14. Review status: no assertion criteria provided. Collection method: clinical testing. Allele origin: germline. Not counted in ClinVar's aggregate classification.
Comment: This variant is classified as likely benign based on ACMG/AMP sequence variant interpretation guidelines (Richards et al. 2015 PMID: 25741868, with internal and published modifications).

NM_000455.5(STK11):c.597+8C>T

Gene: STK11 (serine/threonine kinase 11; plus strand). Cytogenetic location: 19p13.3.
Variant type: single nucleotide variant.
Coding change: c.597+8C>T on transcript NM_000455.5 (MANE Select); 8 bases into the intron after coding-DNA position 597, C replaced by T.
Molecular consequence: intron variant.
Genome position (GRCh38, 1-based): chr19:1,220,513, C>T. VCF-style: chr19-1220513-C-T. GRCh37 (hg19) VCF-style: chr19-1220512-C-T.
Identifiers: ClinVar variation 139333 (VCV000139333.35), dbSNP rs565387911, ClinGen allele CA023105.